The following is an entry in ClinVar:

ClinVar aggregate classification (germline): Pathogenic. Review status: criteria provided, multiple submitters, no conflicts (2 of 4 stars). 5 submissions from 5 submitters: Pathogenic (5). Last evaluated 2025-07-24.

Conditions:
Hereditary cancer-predisposing syndrome. Also called: Neoplastic Syndromes, Hereditary; Tumor predisposition; Hereditary Cancer Syndrome; Hereditary neoplastic syndrome. Identifiers: Orphanet 140162, MedGen C0027672, MeSH D009386, MONDO:0015356.
Breast-ovarian cancer, familial, susceptibility to, 4. Identifiers: Orphanet 145, MedGen C3280345, MONDO:0013669, OMIM 614291.
Hereditary breast ovarian cancer syndrome. Also called: Breast and ovarian cancer; Hereditary breast and ovarian cancer; Hereditary breast and/or ovarian cancer syndrome; BRCA1- and BRCA2-Associated Hereditary Breast and Ovarian Cancer; Hereditary breast and ovarian cancer syndrome; Hereditary breast and ovarian cancer syndrome (HBOC). Identifiers: Orphanet 145, MedGen C0677776, MeSH D061325, MONDO:0003582. Disease mechanism: loss of function.

Submissions (5):

Ambry Genetics
Classification: Pathogenic for Hereditary cancer-predisposing syndrome. Last evaluated: 2025-07-24. Review status: criteria provided, single submitter. Criteria: Ambry Variant Classification Scheme 2023. Collection method: clinical testing. Allele origin: germline.
Comment: The c.649_655delGGAGGTCinsTGAGGTT pathogenic mutation, located in coding exon 7 of the RAD51D gene, results from a deletion of GGAGGTC and insertion of TGAGGTT between nucleotide positions 649 and 655. This results in a predicted alternate stop signal at codon 217 (p.G217*). This variant is considered to be rare based on population cohorts in the Genome Aggregation Database (gnomAD). This alteration is expected to result in loss of function by premature protein truncation or nonsense-mediated mRNA decay. As such, this alteration is interpreted as a disease-causing mutation.

Labcorp Genetics (formerly Invitae), Labcorp
Classification: Pathogenic for Breast-ovarian cancer, familial, susceptibility to, 4. Last evaluated: 2025-05-28. Review status: criteria provided, single submitter. Criteria: Invitae Variant Classification Sherloc (09022015). Collection method: clinical testing. Allele origin: germline.
Comment: This sequence change creates a premature translational stop signal (p.Gly217*) in the RAD51D gene. It is expected to result in an absent or disrupted protein product. Loss-of-function variants in RAD51D are known to be pathogenic (PMID: 21822267). This variant is present in population databases (rs775365939, gnomAD 0.002%). This premature translational stop signal has been observed in individual(s) with breast cancer and/or ovarian cancer (PMID: 26261251, 32107557). ClinVar contains an entry for this variant (Variation ID: 484764). For these reasons, this variant has been classified as Pathogenic.

Women's Health and Genetics/Laboratory Corporation of America, LabCorp
Classification: Pathogenic for Hereditary breast ovarian cancer syndrome. Last evaluated: 2022-09-01. Review status: criteria provided, single submitter. Criteria: LabCorp Variant Classification Summary - May 2015. Collection method: clinical testing. Allele origin: germline.
Comment: Variant summary: RAD51D c.649_655delinsTGAGGTT (p.Gly217X) results in a premature termination codon, predicted to cause a truncation of the encoded protein or absence of the protein due to nonsense mediated decay, which are commonly known mechanisms for disease. Truncations downstream of this position have been classified as pathogenic by our laboratory. The variant allele was found at a frequency of 8e-06 in 251422 control chromosomes. c.649_655delinsTGAGGTT has been reported in the literature in individuals affected with ovarian cancer (examples: Song_2015, Feliubadalo_2019). Three clinical diagnostic laboratories have submitted clinical-significance assessments for this variant to ClinVar after 2014 without evidence for independent evaluation. All laboratories classified the variant as pathogenic. Based on the evidence outlined above, the variant was classified as pathogenic.

Baylor Genetics
Classification: Pathogenic for Breast-ovarian cancer, familial, susceptibility to, 4. Last evaluated: 2020-12-11. Review status: criteria provided, single submitter. Criteria: ACMG Guidelines, 2015. Collection method: clinical testing. Allele origin: unknown.

Color Diagnostics, LLC DBA Color Health
Classification: Pathogenic for Hereditary cancer-predisposing syndrome. Last evaluated: 2020-01-15. Review status: criteria provided, single submitter. Criteria: ACMG Guidelines, 2015. Collection method: clinical testing. Allele origin: germline.
Comment: This variant changes 1 nucleotide in exon 7 of the RAD51D gene, creating a premature translation stop signal. This variant is expected to result in an absent or non-functional protein product. This variant has not been identified in the general population by the Genome Aggregation Database (gnomAD). Loss of RAD51D function is a known mechanism of disease. Based on the available evidence, this variant is classified as Pathogenic.

Literature cited by the submitters: PubMed 21822267 (cited by Labcorp Genetics (formerly Invitae), Labcorp); PubMed 26261251 (cited by Labcorp Genetics (formerly Invitae), Labcorp and Women's Health and Genetics/Laboratory Corporation of America, LabCorp); PubMed 32107557 (cited by Labcorp Genetics (formerly Invitae), Labcorp); PubMed 30927264 (cited by Women's Health and Genetics/Laboratory Corporation of America, LabCorp).

NM_002878.4(RAD51D):c.649_655delinsTGAGGTT (p.Gly217_Gln219delinsTer)

Genes: RAD51D (RAD51 paralog D; minus strand), RAD51L3-RFFL (RAD51L3-RFFL readthrough; minus strand). Cytogenetic location: 17q12.
Variant type: Indel.
Coding change: c.649_655delinsTGAGGTT on transcript NM_002878.4 (MANE Select); coding-DNA positions 649 to 655, GGAGGTC replaced by TGAGGTT.
Protein change: p.Gly217_Gln219delinsTer.
Molecular consequence: nonsense. On other transcripts: non-coding transcript variant (3).
Genome position (GRCh38, 1-based): chr17:35,103,466-35,103,472, GACCTCC replaced by AACCTCA on the plus strand (GGAGGTC replaced by TGAGGTT on the coding strand, the reverse complement: RAD51D is on the minus strand). VCF-style: chr17-35103466-GACCTCC-AACCTCA. GRCh37 (hg19) VCF-style: chr17-33430485-GACCTCC-AACCTCA.
Other names: c.709_715delinsTGAGGTT, p.Gly237_Gln239delinsTer (NM_001142571.2); c.313_319delinsTGAGGTT, p.Gly105_Gln107delinsTer (NM_133629.3); c.649_655delGGAGGTCinsTGAGGTT (NM_002878.3).
Identifiers: ClinVar variation 141143 (VCV000141143.17), dbSNP rs587781527, ClinGen allele CA164593.